The following is an entry in ClinVar:

ClinVar aggregate classification (germline): Likely benign (1 of 4 stars; one submission).

Conditions:
Leukocyte adhesion deficiency type II. Also called: CONGENITAL DISORDER OF GLYCOSYLATION, TYPE IIc; Congenital disorder of glycosylation type 2C; CDG 2C; Leukocyte adhesion deficiency type 2; Rambam Hasharon syndrome; CDG IIc. Identifiers: Orphanet 2968, Orphanet 99843, MedGen C0398739, MONDO:0009953, OMIM 266265.

Allele frequency attached by ClinVar (database versions not stated): TOPMed 0.00332; gnomAD 0.00288; 1000 Genomes Project 0.00479; 1000 Genomes Project 30x 0.00500.
gnomAD v4.1: 686 of 986,630 alleles (0.07%); highest among the groups gnomAD compares: African/African-American, 1.1%; 4 homozygotes.

Submission:

Illumina Laboratory Services, Illumina
Classification: Likely benign for Leukocyte adhesion deficiency type II. Last evaluated: 2018-01-13. Review status: criteria provided, single submitter. Criteria: ICSL Variant Classification Criteria 13 December 2019. Collection method: clinical testing. Allele origin: germline.
Comment: This variant was observed in the ICSL laboratory as part of a predisposition screen in an ostensibly healthy population. It had not been previously curated by ICSL or reported in the Human Gene Mutation Database (HGMD: prior to June 1st, 2018), and was therefore a candidate for classification through an automated scoring system. Utilizing variant allele frequency, disease prevalence and penetrance estimates, and inheritance mode, an automated score was calculated to assess if this variant is too frequent to cause the disease. Based on the score and internal cut-off values, a variant classified as likely benign is not then subjected to further curation. The score for this variant resulted in a classification of likely benign for this disease.

NM_018389.4(SLC35C1):c.-665C>T

Gene: SLC35C1 (solute carrier family 35 member C1; plus strand). Cytogenetic location: 11p11.2.
Variant type: single nucleotide variant.
Coding change: c.-665C>T on transcript NM_018389.4; 665 bases upstream of the start codon, C replaced by T.
Molecular consequence: intron variant (on NM_001145266.2).
Genome position (GRCh38, 1-based): chr11:45,805,137, C>T. VCF-style: chr11-45805137-C-T. GRCh37 (hg19) VCF-style: chr11-45826688-C-T.
Other names: c.-31-673C>T (NM_001145266.2); c.-219-446C>T (NM_001425155.1); c.-32+620C>T (NM_001145265.2).
Identifiers: ClinVar variation 304720 (VCV000304720.7), dbSNP rs530622849, ClinGen allele CA10634933.